The following is an entry in ClinVar:

NM_012210.4(TRIM32):c.1757G>C (p.Arg586Pro)

Genes: ASTN2 (astrotactin 2; minus strand), TRIM32 (tripartite motif containing 32; plus strand). Cytogenetic location: 9q33.1.
Variant type: single nucleotide variant.
Coding change: c.1757G>C on transcript NM_012210.4 (MANE Select); coding-DNA position 1757, G replaced by C.
Protein change: p.Arg586Pro; replaces arginine 586 with proline.
Molecular consequence: missense variant. On other transcripts: intron variant (3).
Genome position (GRCh38, 1-based): chr9:116,699,499, G>C. VCF-style: chr9-116699499-G-C. GRCh37 (hg19) VCF-style: chr9-119461778-G-C.
Other names: c.1757G>C, p.Arg586Pro (NM_001099679.2, NM_001379048.1, NM_001379049.1 and 1 more transcripts); c.2653+26272C>G (NM_014010.5); c.2794+26272C>G (NM_001365069.1); c.2806+26272C>G (NM_001365068.1); short protein forms R586P.
Identifiers: ClinVar variation 1987006 (VCV001987006.2), dbSNP rs866695848, ClinGen allele CA374652380.
Genomic context (GRCh38, chr9:116,699,499, plus strand): 5'-GCCACTTCTTCTCGGAGAATGAGGATTTCCGCTGCATTGCTGGCATGTGTGTGGATGCTC[G>C]TGGTGATCTCATCGTGGCTGACAGTAGTCGCAAGGAAATTCTCCATTTTCCTAAGGGTGG-3'
Protein context (NP_036342.2, residues 576-596): RCIAGMCVDA[Arg586Pro]GDLIVADSSR

ClinVar aggregate classification (germline): Uncertain significance. Review status: criteria provided, multiple submitters, no conflicts (2 of 4 stars). 2 submissions from 2 submitters: Uncertain significance (2). Last evaluated 2022-03-20.

Conditions:
Bardet-Biedl syndrome (BBS). Identifiers: Orphanet 110, MedGen C0752166, MONDO:0015229.
Inborn genetic diseases. Identifiers: MedGen C0950123, MeSH D030342.

Allele frequency attached by ClinVar (database versions not stated): TOPMed 0.00001.
gnomAD v4.1: 6 of 1,613,980 alleles (0.00037%); highest among the groups gnomAD compares: South Asian, 0.0022%; no homozygotes.

Submissions (2):

Labcorp Genetics (formerly Invitae), Labcorp
Classification: Uncertain significance for Bardet-Biedl syndrome. Last evaluated: 2022-03-20. Review status: criteria provided, single submitter. Criteria: Invitae Variant Classification Sherloc (09022015). Collection method: clinical testing. Allele origin: germline.
Comment: This sequence change replaces arginine, which is basic and polar, with proline, which is neutral and non-polar, at codon 586 of the TRIM32 protein (p.Arg586Pro). This variant is present in population databases (no rsID available, gnomAD 0.0009%). This variant has not been reported in the literature in individuals affected with TRIM32-related conditions. Algorithms developed to predict the effect of missense changes on protein structure and function are either unavailable or do not agree on the potential impact of this missense change (SIFT: "Tolerated"; PolyPhen-2: "Possibly Damaging"; Align-GVGD: "Class C0"). In summary, the available evidence is currently insufficient to determine the role of this variant in disease. Therefore, it has been classified as a Variant of Uncertain Significance.

Ambry Genetics
Classification: Uncertain significance for Inborn genetic diseases. Last evaluated: 2021-10-29. Review status: criteria provided, single submitter. Criteria: Ambry Variant Classification Scheme 2023. Collection method: clinical testing. Allele origin: germline.